The following is an entry in ClinVar:

NM_002905.5(RDH5):c.103G>A (p.Gly35Ser)

Genes: BLOC1S1-RDH5 (BLOC1S1-RDH5 readthrough; plus strand), RDH5 (retinol dehydrogenase 5; plus strand). Cytogenetic location: 12q13.2.
Variant type: single nucleotide variant.
Coding change: c.103G>A on transcript NM_002905.5 (MANE Select); coding-DNA position 103, G replaced by A.
Protein change: p.Gly35Ser; replaces glycine 35 with serine.
Molecular consequence: missense variant.
Genome position (GRCh38, 1-based): chr12:55,721,287, G>A. VCF-style: chr12-55721287-G-A. GRCh37 (hg19) VCF-style: chr12-56115071-G-A.
Other names: c.103G>A, p.Gly35Ser (NM_001199771.3); short protein forms G35S.
Identifiers: ClinVar variation 942928 (VCV000942928.12), dbSNP rs759359491, ClinGen allele CA6616746.
Genomic context (GRCh38, chr12:55,721,287, plus strand): 5'-CTGTGGTTGCTCAGGGACCGGCAGAGCCTGCCCGCCAGCAATGCCTTTGTCTTCATCACC[G>A]GCTGTGACTCAGGCTTTGGGCGCCTTCTGGCACTGCAGCTGGACCAGAGAGGCTTCCGAG-3'
Protein context (NP_002896.2, residues 25-45): PASNAFVFIT[Gly35Ser]CDSGFGRLLA

ClinVar aggregate classification (germline): Pathogenic. Review status: criteria provided, multiple submitters, no conflicts (2 of 4 stars). 4 submissions from 4 submitters: Pathogenic (4). Last evaluated 2026-04-29.

Conditions:
RDH5-related disorder. Also called: RDH5-related condition.
Pigmentary retinal dystrophy. Also called: Fundus albipunctatus. Identifiers: Orphanet 227796, Orphanet 52427, MedGen C0311338, MONDO:0007639, OMIM 136880, HP:0030642.

Allele frequency attached by ClinVar (database versions not stated): TOPMed 0.00001; ExAC 0.00002; gnomAD exomes 0.00002; gnomAD 0.00003 and 0.00004.

Submissions (4):

PreventionGenetics, part of Exact Sciences
Classification: Pathogenic for RDH5-related condition. Last evaluated: 2026-04-29. Review status: criteria provided, single submitter. Criteria: ACMG Guidelines, 2015. Collection method: clinical testing. Allele origin: germline.
Comment: The RDH5 c.103G>A variant is predicted to result in the amino acid substitution p.Gly35Ser. This variant has been reported in the homozygous state, compound heterozygous state, or along with a second RDH5 variant in individuals with autosomal recessive fundus albipunctatus (Nakamura et al. 2000. PubMed ID: 11053295; Wada et al. 2001. PubMed ID: 11448328; Katagiri et al. 2020. PubMed ID: 32232344; Niwa et al. 2005. PubMed ID: 15790919). Consistent with this, the p.Gly35Ser variant resulted in significantly reduced protein expression and enzymatic activity in cell-based functional studies (Lidén et al. 2001. PubMed ID: 11675386). This variant is reported in 0.0040% of alleles in individuals of African descent in gnomAD. This variant is interpreted as pathogenic.

Labcorp Genetics (formerly Invitae), Labcorp
Classification: Pathogenic. Last evaluated: 2025-01-13. Review status: criteria provided, single submitter. Criteria: Invitae Variant Classification Sherloc (09022015). Collection method: clinical testing. Allele origin: germline.
Comment: This sequence change replaces glycine, which is neutral and non-polar, with serine, which is neutral and polar, at codon 35 of the RDH5 protein (p.Gly35Ser). The frequency data for this variant in the population databases is considered unreliable, as metrics indicate poor data quality at this position in the gnomAD database. This missense change has been observed in individuals with fundus albipunctatus (PMID: 11053295, 11448328, 15790919). It has also been observed to segregate with disease in related individuals. ClinVar contains an entry for this variant (Variation ID: 942928). Invitae Evidence Modeling of protein sequence and biophysical properties (such as structural, functional, and spatial information, amino acid conservation, physicochemical variation, residue mobility, and thermodynamic stability) indicates that this missense variant is expected to disrupt RDH5 protein function with a positive predictive value of 80%. Experimental studies have shown that this missense change affects RDH5 function (PMID: 11675386). Algorithms developed to predict the effect of sequence changes on RNA splicing suggest that this variant may create or strengthen a splice site. For these reasons, this variant has been classified as Pathogenic.

Women's Health and Genetics/Laboratory Corporation of America, LabCorp
Classification: Pathogenic for Pigmentary retinal dystrophy. Last evaluated: 2024-07-10. Review status: criteria provided, single submitter. Criteria: LabCorp Variant Classification Summary - May 2015. Collection method: clinical testing. Allele origin: germline.
Comment: Variant summary: RDH5 c.103G>A (p.Gly35Ser) results in a non-conservative amino acid change in the encoded protein sequence. Five of five in-silico tools predict a damaging effect of the variant on protein function. The variant allele was found at a frequency of 1.6e-05 in 251006 control chromosomes. c.103G>A has been reported in the literature in multiple compound heterozygous or homozygous individuals affected with fundus albipunctatus with or without cone dystrophy (e.g. Nakamura_2000, Wada_2001). These data indicate that the variant is very likely to be associated with disease. To our knowledge, no experimental evidence demonstrating an impact on protein function has been reported. The following publications have been ascertained in the context of this evaluation (PMID: 12906118, 11448328). ClinVar contains an entry for this variant (Variation ID: 942928). Based on the evidence outlined above, the variant was classified as pathogenic.

Blueprint Genetics
Classification: Pathogenic for RDH5-related disorders. Last evaluated: 2020-06-25. Review status: criteria provided, single submitter. Criteria: ACMG Guidelines, 2015. Collection method: clinical testing. Allele origin: germline. Affected: yes. Observed: 2 variant alleles.

Literature cited by the submitters: PubMed 11053295 (cited by Labcorp Genetics (formerly Invitae), Labcorp); PubMed 11448328 (cited by Labcorp Genetics (formerly Invitae), Labcorp and Women's Health and Genetics/Laboratory Corporation of America, LabCorp); PubMed 15790919 (cited by Labcorp Genetics (formerly Invitae), Labcorp); PubMed 11675386 (cited by Labcorp Genetics (formerly Invitae), Labcorp); PubMed 12906118 (cited by Women's Health and Genetics/Laboratory Corporation of America, LabCorp).